The following is an entry in ClinVar:

ClinVar aggregate classification (germline): Uncertain significance (1 of 4 stars; one submission).

Allele frequency attached by ClinVar (database versions not stated): TOPMed below 0.00001; gnomAD 0.00001; gnomAD exomes 0.00001; ExAC 0.00002.

Submission:

Labcorp Genetics (formerly Invitae), Labcorp
Classification: Uncertain significance. Last evaluated: 2025-01-11. Review status: criteria provided, single submitter. Criteria: Invitae Variant Classification Sherloc (09022015). Collection method: clinical testing. Allele origin: germline.
Comment: This sequence change replaces methionine, which is neutral and non-polar, with valine, which is neutral and non-polar, at codon 149 of the FAR1 protein (p.Met149Val). This variant is present in population databases (rs749512261, gnomAD 0.003%). This missense change has been observed in individual(s) with peroxisomal fatty acyl-CoA reductase 1 disorder (PMID: 36066546). ClinVar contains an entry for this variant (Variation ID: 1968514). Invitae Evidence Modeling of protein sequence and biophysical properties (such as structural, functional, and spatial information, amino acid conservation, physicochemical variation, residue mobility, and thermodynamic stability) indicates that this missense variant is not expected to disrupt FAR1 protein function with a negative predictive value of 80%. In summary, the available evidence is currently insufficient to determine the role of this variant in disease. Therefore, it has been classified as a Variant of Uncertain Significance.

Literature cited by the submitters: PubMed 36066546.

NM_032228.6(FAR1):c.445A>G (p.Met149Val)

Gene: FAR1 (fatty acyl-CoA reductase 1; plus strand). Cytogenetic location: 11p15.3.
Variant type: single nucleotide variant.
Coding change: c.445A>G on transcript NM_032228.6 (MANE Select); coding-DNA position 445, A replaced by G.
Protein change: p.Met149Val; replaces methionine 149 with valine.
Molecular consequence: missense variant.
Genome position (GRCh38, 1-based): chr11:13,707,979, A>G. VCF-style: chr11-13707979-A-G. GRCh37 (hg19) VCF-style: chr11-13729526-A-G.
Other names: short protein forms M149V.
Identifiers: ClinVar variation 1968514 (VCV001968514.5), dbSNP rs749512261, ClinGen allele CA5893318.